The following is an entry in ClinVar:

NM_014915.3(ANKRD26):c.2764G>A (p.Ala922Thr)

Gene: ANKRD26 (ankyrin repeat domain 26; minus strand). Cytogenetic location: 10p12.1.
Variant type: single nucleotide variant.
Coding change: c.2764G>A on transcript NM_014915.3 (MANE Select); coding-DNA position 2764, G replaced by A.
Protein change: p.Ala922Thr; replaces alanine 922 with threonine.
Molecular consequence: missense variant.
Genome position (GRCh38, 1-based): chr10:27,035,686, C>T on the plus strand (G>A on the coding strand, the complement: ANKRD26 is on the minus strand). VCF-style: chr10-27035686-C-T. GRCh37 (hg19) VCF-style: chr10-27324615-C-T.
Other names: c.2761G>A, p.Ala921Thr (NM_001256053.2); short protein forms A922T, A921T.
Identifiers: ClinVar variation 5023554 (VCV005023554.1).

ClinVar aggregate classification (germline): Uncertain significance (1 of 4 stars; one submission).

Conditions:
Inborn genetic diseases. Identifiers: MedGen C0950123, MeSH D030342.

Submission:

Ambry Genetics
Classification: Uncertain significance for Inborn genetic diseases. Last evaluated: 2026-08-16. Review status: criteria provided, single submitter. Criteria: Ambry Variant Classification Scheme 2023. Collection method: clinical testing. Allele origin: germline.
Comment: The p.A922T variant (also known as c.2764G>A), located in coding exon 24 of the ANKRD26 gene, results from a G to A substitution at nucleotide position 2764. The alanine at codon 922 is replaced by threonine, an amino acid with similar properties. This amino acid position is conserved. In addition, this alteration is predicted to be tolerated by in silico analysis. Based on the available evidence, the clinical significance of this variant remains unclear.